The following is an entry in ClinVar:

NM_001368882.1(COL13A1):c.1237G>A (p.Ala413Thr)

Gene: COL13A1 (collagen type XIII alpha 1 chain; plus strand). Cytogenetic location: 10q22.1.
Variant type: single nucleotide variant.
Coding change: c.1237G>A on transcript NM_001368882.1 (MANE Select); coding-DNA position 1237, G replaced by A.
Protein change: p.Ala413Thr; replaces alanine 413 with threonine.
Molecular consequence: missense variant.
Genome position (GRCh38, 1-based): chr10:69,923,808, G>A. VCF-style: chr10-69923808-G-A. GRCh37 (hg19) VCF-style: chr10-71683564-G-A.
Other names: c.1204G>A, p.Ala402Thr (NM_001130103.2); c.1174G>A, p.Ala392Thr (NM_001320951.2, NM_001368884.1); c.1201G>A, p.Ala401Thr (NM_001368883.1); c.1138G>A, p.Ala380Thr (NM_001368885.1, NM_080801.4, NM_080802.4); c.574G>A, p.Ala192Thr (NM_001368886.1); c.1147G>A, p.Ala383Thr (NM_001368895.1, NM_080800.4); c.1033G>A, p.Ala345Thr (NM_001368896.1, NM_001368898.1, NM_080798.4); c.1060G>A, p.Ala354Thr (NM_001368897.1); and 1 more; short protein forms A345T, A392T, A192T, A402T, A354T, A413T, A351T, A380T.
Identifiers: ClinVar variation 1476344 (VCV001476344.4), dbSNP rs1177982267, ClinGen allele CA376929414.

ClinVar aggregate classification (germline): Uncertain significance (1 of 4 stars; one submission).

Allele frequency attached by ClinVar (database versions not stated): gnomAD exomes below 0.00001.
gnomAD v4.1: 1 of 1,610,962 alleles (0.000062%); highest among the groups gnomAD compares: Admixed American, 0.0017%; no homozygotes.

Submission:

Labcorp Genetics (formerly Invitae), Labcorp
Classification: Uncertain significance. Last evaluated: 2022-09-01. Review status: criteria provided, single submitter. Criteria: Invitae Variant Classification Sherloc (09022015). Collection method: clinical testing. Allele origin: germline.
Comment: In summary, the available evidence is currently insufficient to determine the role of this variant in disease. Therefore, it has been classified as a Variant of Uncertain Significance. Algorithms developed to predict the effect of missense changes on protein structure and function are either unavailable or do not agree on the potential impact of this missense change (SIFT: "Deleterious"; PolyPhen-2: "Benign"; Align-GVGD: "Class C55"). ClinVar contains an entry for this variant (Variation ID: 1476344). This variant has not been reported in the literature in individuals affected with COL13A1-related conditions. The frequency data for this variant in the population databases is considered unreliable, as metrics indicate poor data quality at this position in the gnomAD database. This sequence change replaces alanine, which is neutral and non-polar, with threonine, which is neutral and polar, at codon 402 of the COL13A1 protein (p.Ala402Thr).